The following is an entry in ClinVar:

ClinVar aggregate classification (germline): Uncertain significance (1 of 4 stars; one submission).

Conditions:
BAP1-related tumor predisposition syndrome (TPDS1). Also called: Tumor susceptibility linked to germline BAP1 mutations; BAP1 tumor predisposition syndrome; COMMON Syndrome; TUMOR PREDISPOSITION SYNDROME 1. Identifiers: Orphanet 289539, MedGen C3280492, MONDO:0013692, OMIM 614327.

Submission:

Labcorp Genetics (formerly Invitae), Labcorp
Classification: Uncertain significance for BAP1-related tumor predisposition syndrome. Last evaluated: 2022-12-29. Review status: criteria provided, single submitter. Criteria: Invitae Variant Classification Sherloc (09022015). Collection method: clinical testing. Allele origin: germline.
Comment: In summary, the available evidence is currently insufficient to determine the role of this variant in disease. Therefore, it has been classified as a Variant of Uncertain Significance. Advanced modeling of protein sequence and biophysical properties (such as structural, functional, and spatial information, amino acid conservation, physicochemical variation, residue mobility, and thermodynamic stability) performed at Invitae indicates that this missense variant is not expected to disrupt BAP1 protein function. This variant has not been reported in the literature in individuals affected with BAP1-related conditions. This variant is not present in population databases (gnomAD no frequency). This sequence change replaces serine, which is neutral and polar, with arginine, which is basic and polar, at codon 469 of the BAP1 protein (p.Ser469Arg).

NM_004656.4(BAP1):c.1407C>G (p.Ser469Arg)

Gene: BAP1 (BRCA1 associated deubiquitinase 1; minus strand). Cytogenetic location: 3p21.1.
Variant type: single nucleotide variant.
Coding change: c.1407C>G on transcript NM_004656.4 (MANE Select); coding-DNA position 1407, C replaced by G.
Protein change: p.Ser469Arg; replaces serine 469 with arginine.
Molecular consequence: missense variant.
Genome position (GRCh38, 1-based): chr3:52,403,738, G>C on the plus strand (C>G on the coding strand, the complement: BAP1 is on the minus strand). VCF-style: chr3-52403738-G-C. GRCh37 (hg19) VCF-style: chr3-52437754-G-C.
Other names: c.1353C>G, p.Ser451Arg (NM_001410772.1); short protein forms S469R, S451R.
Identifiers: ClinVar variation 2824683 (VCV002824683.3), dbSNP rs150524807, ClinGen allele CA353101530.